The following is an entry in ClinVar:

NM_000548.5(TSC2):c.1258-18C>T

Gene: TSC2 (TSC complex subunit 2; plus strand). Cytogenetic location: 16p13.3.
Variant type: single nucleotide variant.
Coding change: c.1258-18C>T on transcript NM_000548.5 (MANE Select); 18 bases into the intron before coding-DNA position 1258, C replaced by T.
Molecular consequence: intron variant.
Genome position (GRCh38, 1-based): chr16:2,062,479, C>T. VCF-style: chr16-2062479-C-T. GRCh37 (hg19) VCF-style: chr16-2112480-C-T.
Other names: c.1258-18C>T (NM_001114382.3, NM_021055.3, NM_001370405.1 and 3 more transcripts); c.1147-18C>T (NM_001318827.2); c.658-18C>T (NM_001318831.2); c.1111-18C>T (NM_001318829.2); c.1291-18C>T (NM_001318832.2).
Identifiers: ClinVar variation 1537241 (VCV001537241.12), dbSNP rs778741704, ClinGen allele CA028956.

ClinVar aggregate classification (germline): Likely benign. Review status: criteria provided, multiple submitters, no conflicts (2 of 4 stars). 5 submissions from 5 submitters: Likely benign (5). Last evaluated 2026-02-02.

Conditions:
Tuberous sclerosis 2 (TSC2). Identifiers: Orphanet 805, MedGen C1860707, MONDO:0013199, OMIM 613254.

Allele frequency attached by ClinVar (database versions not stated): gnomAD 0.00001; gnomAD exomes 0.00002; ExAC 0.00004.
gnomAD v4.1: 27 of 1,598,092 alleles (0.0017%); highest among the groups gnomAD compares: Middle Eastern, 0.017%; no homozygotes.

Submissions (5):

Women's Health and Genetics/Laboratory Corporation of America, LabCorp
Classification: Likely benign. Last evaluated: 2026-02-02. Review status: criteria provided, single submitter. Criteria: LabCorp Variant Classification Summary - May 2015. Collection method: clinical testing. Allele origin: germline.
Comment: Variant summary: TSC2 c.1258-18C>T alters a nucleotide located at a position not widely known to affect splicing. Consensus agreement among computation tools predict no significant impact on normal splicing. However, these predictions have yet to be confirmed by functional studies. The frequency data for this variant in gnomAD is considered unreliable, as metrics indicate poor data quality at this position. To our knowledge, no occurrence of c.1258-18C>T in individuals affected with TSC2-related conditions and no experimental evidence demonstrating its impact on protein function have been reported. ClinVar contains an entry for this variant (Variation ID: 1537241). Based on the evidence outlined above, the variant was classified as likely benign.

Labcorp Genetics (formerly Invitae), Labcorp
Classification: Likely benign for Tuberous sclerosis 2. Last evaluated: 2026-01-07. Review status: criteria provided, single submitter. Criteria: Invitae Variant Classification Sherloc (09022015). Collection method: clinical testing. Allele origin: germline.

Myriad Genetics, Inc.
Classification: Likely benign for Tuberous sclerosis 2. Last evaluated: 2025-05-13. Review status: criteria provided, single submitter. Criteria: Myriad Autosomal Dominant, Autosomal Recessive and X-Linked Classification Criteria (2023). Collection method: clinical testing. Allele origin: unknown.
Comment: This variant is considered likely benign. This variant is intronic and is not expected to impact mRNA splicing.

Blueprint Genetics
Classification: Likely benign. Last evaluated: 2024-09-19. Review status: criteria provided, single submitter. Criteria: ACMG Guidelines, 2015. Collection method: clinical testing. Allele origin: germline.

ARUP Laboratories, Molecular Genetics and Genomics, ARUP Laboratories
Classification: Likely benign. Last evaluated: 2023-09-15. Review status: criteria provided, single submitter. Criteria: ARUP Molecular Germline Variant Investigation Process 2024. Collection method: clinical testing. Allele origin: germline.